The following is an entry in ClinVar:

ClinVar aggregate classification (germline): Pathogenic (1 of 4 stars; one submission).

Conditions:
Ehlers-Danlos syndrome, dermatosparaxis type. Also called: EDS VIIC; Dermatosparaxis; Ehlers-Danlos syndrome, type VII, autosomal recessive. Identifiers: Orphanet 1901, MedGen C2700425, MONDO:0009161, OMIM 225410.

Submission:

Myriad Genetics, Inc.
Classification: Pathogenic for Ehlers-Danlos syndrome, dermatosparaxis type. Last evaluated: 2024-05-14. Review status: criteria provided, single submitter. Criteria: Myriad Autosomal Dominant, Autosomal Recessive and X-Linked Classification Criteria (2023). Collection method: clinical testing. Allele origin: unknown.
Comment: NM_014244.4(ADAMTS2):c.83_85del3ins5(L28Pfs*138) is expected to be pathogenic in the context of Ehlers-Danlos syndrome, ADAMTS2-related. This variant is predicted to lead to an abnormal or absent protein product due to the creation of a premature termination codon in ADAMTS2, a gene where loss-of-function variants are known to be pathogenic. Please note: this variant was assessed in the context of healthy population screening.

NM_014244.5(ADAMTS2):c.83_85delinsCTCTT (p.Leu28fs)

Gene: ADAMTS2 (ADAM metallopeptidase with thrombospondin type 1 motif 2; minus strand). Cytogenetic location: 5q35.3.
Variant type: Indel.
Coding change: c.83_85delinsCTCTT on transcript NM_014244.5 (MANE Select); coding-DNA positions 83 to 85, TGC replaced by CTCTT.
Protein change: p.Leu28fs; shifts the reading frame from leucine 28.
Molecular consequence: frameshift variant.
Genome position (GRCh38, 1-based): chr5:179,345,244-179,345,246, GCA replaced by AAGAG on the plus strand (TGC replaced by CTCTT on the coding strand, the reverse complement: ADAMTS2 is on the minus strand). VCF-style: chr5-179345244-GCA-AAGAG. GRCh37 (hg19) VCF-style: chr5-178772245-GCA-AAGAG.
Other names: c.83_85delinsCTCTT, p.Leu28fs (NM_021599.4); short protein forms L28fs.
Identifiers: ClinVar variation 5010546 (VCV005010546.1).